The following is an entry in ClinVar:

ClinVar aggregate classification (germline): Likely benign. Review status: criteria provided, multiple submitters, no conflicts (2 of 4 stars). 2 submissions from 2 submitters: Likely benign (2). Last evaluated 2025-12-08.

Conditions:
Epidermolysis bullosa simplex, Ogna type (EBS5A). Also called: Pidermolysis bullosa simplex 5A, Ogna type; EPIDERMOLYSIS BULLOSA SIMPLEX 5A, OGNA TYPE. Identifiers: Orphanet 79401, MedGen C0432317, MONDO:0007555, OMIM 131950.
Epidermolysis bullosa simplex with nail dystrophy (EBS5D). Identifiers: MedGen C4225309, MONDO:0014661, OMIM 616487.
Autosomal recessive limb-girdle muscular dystrophy type 2Q (LGMDR17). Also called: MUSCULAR DYSTROPHY, LIMB-GIRDLE, AUTOSOMAL RECESSIVE 17. Identifiers: Orphanet 254361, MedGen C3150989, MONDO:0013390, OMIM 613723.
Epidermolysis bullosa simplex 5B, with muscular dystrophy (EBS5B). Also called: EPIDERMOLYSIS BULLOSA SIMPLEX AND LIMB-GIRDLE MUSCULAR DYSTROPHY; Epidermolysis bullosa simplex with muscular dystrophy. Identifiers: Orphanet 257, MedGen C2931072, MONDO:0009181, OMIM 226670.
Epidermolysis bullosa simplex 5C, with pyloric atresia (EBS5C). Also called: Epidermolysis bullosa simplex with pyloric atresia; PLEC1-Related Epidermolysis Bullosa with Pyloric Atresia; PLEC-Related Epidermolysis Bullosa with Pyloric Atresia. Identifiers: Orphanet 158684, MedGen C2677349, MONDO:0012807, OMIM 612138.
PLEC-related disorder. Also called: PLEC-related condition; PLEC-related disorders.

Allele frequency attached by ClinVar (database versions not stated): ExAC 0.00002; TOPMed 0.00002; gnomAD exomes 0.00003 and 0.00004.
gnomAD v4.1: 49 of 1,612,936 alleles (0.003%); highest among the groups gnomAD compares: Admixed American, 0.0067%; no homozygotes.

Submissions (2):

PreventionGenetics, part of Exact Sciences
Classification: Likely benign for PLEC-related condition. Last evaluated: 2025-12-08. Review status: criteria provided, single submitter. Criteria: ACMG Guidelines, 2015. Collection method: clinical testing. Allele origin: germline.
Comment: This variant is classified as likely benign based on ACMG/AMP sequence variant interpretation guidelines (Richards et al. 2015 PMID: 25741868, with internal and published modifications).

Labcorp Genetics (formerly Invitae), Labcorp
Classification: Likely benign for Autosomal recessive limb-girdle muscular dystrophy type 2Q; Epidermolysis bullosa simplex, Ogna type; Epidermolysis bullosa simplex with nail dystrophy; Epidermolysis bullosa simplex 5C, with pyloric atresia; Epidermolysis bullosa simplex 5B, with muscular dystrophy. Last evaluated: 2025-02-17. Review status: criteria provided, single submitter. Criteria: Invitae Variant Classification Sherloc (09022015). Collection method: clinical testing. Allele origin: germline.

NM_201384.3(PLEC):c.720C>T (p.Asp240=)

Gene: PLEC (plectin; minus strand). Cytogenetic location: 8q24.3.
Variant type: single nucleotide variant.
Coding change: c.720C>T on transcript NM_201384.3 (MANE Select); coding-DNA position 720, C replaced by T.
Protein change: p.Asp240=; no amino-acid change (aspartic acid 240 retained).
Molecular consequence: synonymous variant.
Genome position (GRCh38, 1-based): chr8:143,935,116, G>A on the plus strand (C>T on the coding strand, the complement: PLEC is on the minus strand). VCF-style: chr8-143935116-G-A. GRCh37 (hg19) VCF-style: chr8-145009284-G-A.
Other names: c.801C>T (NM_000445.4); c.801C>T, p.Asp267= (NM_000445.5); c.678C>T, p.Asp226= (NM_201378.4); c.654C>T, p.Asp218= (NM_201379.3); c.1131C>T, p.Asp377= (NM_201380.4); c.624C>T, p.Asp208= (NM_201381.3); c.720C>T, p.Asp240= (NM_201382.4); c.732C>T, p.Asp244= (NM_201383.3).
Identifiers: ClinVar variation 1582071 (VCV001582071.9), dbSNP rs782638021, ClinGen allele CA4928332.